The following is an entry in ClinVar:

ClinVar aggregate classification (germline): Uncertain significance. Review status: criteria provided, multiple submitters, no conflicts (2 of 4 stars). 2 submissions from 2 submitters: Uncertain significance (2). Last evaluated 2024-02-16.

Allele frequency attached by ClinVar (database versions not stated): gnomAD exomes below 0.00001.
gnomAD v4.1: 1 of 1,613,950 alleles (0.000062%); highest among the groups gnomAD compares: Non-Finnish European, 0.000085%; no homozygotes.

Submissions (2):

Ambry Genetics
Classification: Uncertain significance. Last evaluated: 2024-02-16. Review status: criteria provided, single submitter. Criteria: Ambry Variant Classification Scheme 2023. Collection method: clinical testing. Allele origin: germline.
Comment: The p.L401F variant (also known as c.1203G>C), located in coding exon 9 of the RINT1 gene, results from a G to C substitution at nucleotide position 1203. The leucine at codon 401 is replaced by phenylalanine, an amino acid with highly similar properties. This amino acid position is conserved. In addition, the in silico prediction for this alteration is inconclusive. Based on the available evidence, the clinical significance of this alteration remains unclear.

Labcorp Genetics (formerly Invitae), Labcorp
Classification: Uncertain significance. Last evaluated: 2017-08-23. Review status: criteria provided, single submitter. Criteria: Invitae Variant Classification Sherloc (09022015). Collection method: clinical testing. Allele origin: germline.
Comment: This sequence change replaces leucine with phenylalanine at codon 401 of the RINT1 protein (p.Leu401Phe). The leucine residue is highly conserved and there is a small physicochemical difference between leucine and phenylalanine. In summary, the available evidence is currently insufficient to determine the role of this variant in disease. Therefore, it has been classified as a Variant of Uncertain Significance. Algorithms developed to predict the effect of missense changes on protein structure and function do not agree on the potential impact of this missense change (SIFT: "Deleterious"; PolyPhen-2: "Possibly Damaging"; Align-GVGD: "Class C0"). This variant has not been reported in the literature in individuals with RINT1-related disease. This variant is not present in population databases (ExAC no frequency).

NM_021930.6(RINT1):c.1203G>C (p.Leu401Phe)

Gene: RINT1 (RAD50 interactor 1; plus strand). Cytogenetic location: 7q22.3.
Variant type: single nucleotide variant.
Coding change: c.1203G>C on transcript NM_021930.6 (MANE Select); coding-DNA position 1203, G replaced by C.
Protein change: p.Leu401Phe; replaces leucine 401 with phenylalanine.
Molecular consequence: missense variant. On other transcripts: non-coding transcript variant (1).
Genome position (GRCh38, 1-based): chr7:105,550,356, G>C. VCF-style: chr7-105550356-G-C. GRCh37 (hg19) VCF-style: chr7-105190803-G-C.
Other names: c.1203G>C (NM_021930.4); c.969G>C, p.Leu323Phe (NM_001346599.2); c.180G>C, p.Leu60Phe (NM_001346600.2, NM_001346603.2); c.279G>C, p.Leu93Phe (NM_001346601.2); short protein forms L323F, L401F, L60F, L93F.
Identifiers: ClinVar variation 998530 (VCV000998530.9), dbSNP rs1790874667, ClinGen allele CA368809170.
Genomic context (GRCh38, chr7:105,550,356, plus strand): 5'-TGAGAAGTTAGCCACTGATATTCCTTGTCTGCTATATGATGACAATCTCTTCTGTCATTT[G>C]GTGGATGAAGTACTCTTGTTTGAAAGGGAGCTACACAGTGTTCATGGCTATCCTGGCACT-3'
Protein context (NP_068749.3, residues 391-411): LLYDDNLFCH[Leu401Phe]VDEVLLFERE